The following is an entry in ClinVar:

NM_000179.3(MSH6):c.3739_3743dup (p.His1248fs)

Gene: MSH6 (mutS homolog 6; plus strand). Cytogenetic location: 2p16.3.
Variant type: Duplication.
Coding change: c.3739_3743dup on transcript NM_000179.3 (MANE Select); coding-DNA positions 3739 to 3743, 5 bases duplicated (ACTCA; older notation c.3739_3743dupACTCA).
Protein change: p.His1248fs; shifts the reading frame from histidine 1248.
Molecular consequence: frameshift variant.
Genome position (GRCh38, 1-based): chr2:47,806,296-47,806,300, ACTCA duplicated; duplicating any 5 consecutive bases within chr2:47,806,293-47,806,300 gives the same sequence; the c. name uses the placement nearest the transcript's 3' end. VCF-style (leftmost placement, unchanged base first): chr2-47806292-T-TTCAAC. GRCh37 (hg19) VCF-style: chr2-48033431-T-TTCAAC.
Other names: c.3349_3353dup, p.His1118fs (NM_001281492.2); c.2833_2837dup, p.His946fs (NM_001281493.2, NM_001281494.2); short protein forms H946fs, H1248fs, H1118fs.
Identifiers: ClinVar variation 1428564 (VCV001428564.7), dbSNP rs2104542786, ClinGen allele CA1139768315.

ClinVar aggregate classification (germline): Pathogenic. Review status: criteria provided, multiple submitters, no conflicts (2 of 4 stars). 3 submissions from 3 submitters: Pathogenic (3). Last evaluated 2025-10-20.

Conditions:
Hereditary cancer-predisposing syndrome. Also called: Tumor predisposition; Hereditary neoplastic syndrome; Neoplastic Syndromes, Hereditary; Hereditary Cancer Syndrome. Identifiers: Orphanet 140162, MedGen C0027672, MeSH D009386, MONDO:0015356.
Hereditary nonpolyposis colorectal neoplasms. Identifiers: MedGen C0009405, MeSH D003123.
Lynch syndrome 5 (LYNCH5). Also called: Hereditary non-polyposis colorectal cancer, type 5; Colorectal cancer, hereditary nonpolyposis, type 5. Identifiers: Orphanet 144, MedGen C1833477, MONDO:0013710, OMIM 614350. Disease mechanism: loss of function.

Submissions (3):

Color Diagnostics, LLC DBA Color Health
Classification: Pathogenic for Hereditary cancer-predisposing syndrome. Last evaluated: 2025-10-20. Review status: criteria provided, single submitter. Criteria: ACMG Guidelines, 2015. Collection method: clinical testing. Allele origin: germline.
Comment: This variant inserts 5 nucleotides in exon 8 of the MSH6 gene, creating a frameshift and premature translation stop signal. This variant is expected to result in an absent or non-functional protein product. To our knowledge, this variant has not been reported in individuals affected with MSH6-related disorders in the literature. This variant has not been identified in the general population by the Genome Aggregation Database (gnomAD). Loss of MSH6 function is a known mechanism of disease. Based on the available evidence, this variant is classified as Pathogenic.

Myriad Genetics, Inc.
Classification: Pathogenic for Lynch syndrome 5. Last evaluated: 2024-02-21. Review status: criteria provided, single submitter. Criteria: Myriad Autosomal Dominant, Autosomal Recessive and X-Linked Classification Criteria (2023). Collection method: clinical testing. Allele origin: unknown.
Comment: This variant is considered pathogenic. This variant creates a frameshift predicted to result in premature protein truncation.

Labcorp Genetics (formerly Invitae), Labcorp
Classification: Pathogenic for Hereditary nonpolyposis colorectal neoplasms. Last evaluated: 2021-03-24. Review status: criteria provided, single submitter. Criteria: Invitae Variant Classification Sherloc (09022015). Collection method: clinical testing. Allele origin: germline.
Comment: This sequence change creates a premature translational stop signal (p.His1248Glnfs*7) in the MSH6 gene. It is expected to result in an absent or disrupted protein product. Loss-of-function variants in MSH6 are known to be pathogenic (PMID: 18269114, 24362816). This variant is not present in population databases (ExAC no frequency). This variant has not been reported in the literature in individuals with MSH6-related conditions. For these reasons, this variant has been classified as Pathogenic.

Literature cited by the submitters: PubMed 18269114 (cited by Labcorp Genetics (formerly Invitae), Labcorp); PubMed 24362816 (cited by Labcorp Genetics (formerly Invitae), Labcorp).